The following is an entry in ClinVar:

ClinVar aggregate classification (germline): Likely pathogenic (1 of 4 stars; one submission).

Conditions:
Carnitine palmitoyltransferase II deficiency. Also called: Carnitine Palmitoyltransferase 2 Deficiency. Identifiers: Orphanet 157, MedGen C0342790, MONDO:0015515.

Submission:

Natera, Inc.
Classification: Likely pathogenic for Carnitine palmitoyltransferase II deficiency. Last evaluated: 2024-08-30. Review status: criteria provided, single submitter. Criteria: Natera Variant Classification Schema (03/2026). Collection method: clinical testing. Allele origin: germline.
Comment: The c.1669_1672del variant in CPT2 is a frameshift variant predicted to shift the reading frame beginning at codon 557 and leads to a stop codon 25 codons downstream. This variant is expected to result in nonsense mediated decay, truncation, or a dysfunctional protein product. This variant is rare in the general population with a frequency below the threshold expected for the associated phenotype(s). Given the available evidence, this variant is classified as Likely Pathogenic.

NM_000098.3(CPT2):c.1669_1672del (p.Phe557fs)

Gene: CPT2 (carnitine palmitoyltransferase 2; plus strand). Cytogenetic location: 1p32.3.
Variant type: Deletion.
Coding change: c.1669_1672del on transcript NM_000098.3 (MANE Select); coding-DNA positions 1669 to 1672, 4 bases deleted (TTTG; older notation c.1669_1672delTTTG).
Protein change: p.Phe557fs; shifts the reading frame from phenylalanine 557.
Molecular consequence: frameshift variant.
Genome position (GRCh38, 1-based): chr1:53,213,287-53,213,290, TTTG deleted; deleting any 4 consecutive bases within chr1:53,213,284-53,213,290 gives the same sequence; the c. name uses the placement nearest the transcript's 3' end. VCF-style (leftmost placement, unchanged base first): chr1-53213283-CTTGT-C. GRCh37 (hg19) VCF-style: chr1-53678955-CTTGT-C.
Other names: c.1600_1603del, p.Phe534fs (NM_001330589.2); short protein forms F534fs, F557fs.
Identifiers: ClinVar variation 4817417 (VCV004817417.1).